The following is an entry in ClinVar:

NM_001103.4(ACTN2):c.883G>T (p.Glu295Ter)

Gene: ACTN2 (actinin alpha 2; plus strand). Cytogenetic location: 1q43.
Variant type: single nucleotide variant.
Coding change: c.883G>T on transcript NM_001103.4 (MANE Select); coding-DNA position 883, G replaced by T.
Protein change: p.Glu295Ter; replaces glutamic acid 295 with a stop codon.
Molecular consequence: nonsense. On other transcripts: non-coding transcript variant (1).
Genome position (GRCh38, 1-based): chr1:236,739,308, G>T. VCF-style: chr1-236739308-G-T. GRCh37 (hg19) VCF-style: chr1-236902608-G-T.
Other names: c.883G>T, p.Glu295Ter (NM_001278343.2); short protein forms E295*.
Identifiers: ClinVar variation 3348884 (VCV003348884.1).

ClinVar aggregate classification (germline): Uncertain significance (0 of 4 stars; one submission).

Conditions:
ACTN2-related disorder. Also called: ACTN2 related condition; ACTN2-related disorders.

gnomAD v4.1: 3 of 1,613,860 alleles (0.00019%); highest among the groups gnomAD compares: South Asian, 0.0033%; no homozygotes.

Submission:

PreventionGenetics, part of Exact Sciences
Classification: Uncertain significance for ACTN2-related condition. Last evaluated: 2024-04-08. Review status: no assertion criteria provided. Collection method: clinical testing. Allele origin: germline.
Comment: The ACTN2 c.883G>T variant is predicted to result in premature protein termination (p.Glu295*). This variant was reported as uncertain in an individual with mitral valve prolapse (Table S2, van Wijngaarden et al 2020. PubMed ID: 32277046). This variant has not been reported in a large population database, indicating this variant is rare. At this time, the clinical significance of this variant is uncertain due to the absence of conclusive functional and genetic evidence.